The following is an entry in ClinVar:

ClinVar aggregate classification (germline): Pathogenic (1 of 4 stars; one submission).

Conditions:
Polycystic kidney disease 4 (PKD4). Also called: POLYCYSTIC KIDNEY DISEASE 4 WITH OR WITHOUT POLYCYSTIC LIVER DISEASE; PKD3; POLYCYSTIC KIDNEY AND HEPATIC DISEASE 1; POLYCYSTIC KIDNEY DISEASE, INFANTILE, TYPE I; Autosomal Recessive Polycystic Kidney Disease – PKHD1. Identifiers: MedGen C4540575, MONDO:0033004, OMIM 263200.

Submission:

MVZ Medizinische Genetik Mainz
Classification: Pathogenic for Polycystic kidney disease 4. Last evaluated: 2024-03-21. Review status: criteria provided, single submitter. Criteria: UK Practice Guidelines For Variant Classification V4 01 2020. Collection method: clinical testing. Allele origin: germline. Inheritance: Autosomal recessive inheritance. Affected: yes. Observed: 1 variant allele.
Comment: ACMG Criteria: PVS1,PM2_SUP,PP4

NM_138694.4(PKHD1):c.7275dup (p.Gly2426fs)

Gene: PKHD1 (PKHD1 ciliary IPT domain containing fibrocystin/polyductin; minus strand). Cytogenetic location: 6p12.2.
Variant type: Duplication.
Coding change: c.7275dup on transcript NM_138694.4 (MANE Select); coding-DNA position 7275, one base duplicated (T; older notation c.7275dupT).
Protein change: p.Gly2426fs; shifts the reading frame from glycine 2426.
Molecular consequence: frameshift variant.
Genome position (GRCh38, 1-based): chr6:51,883,168, A duplicated on the plus strand (T on the coding strand, the reverse complement: PKHD1 is on the minus strand); the first of 4 consecutive A bases (chr6:51,883,168-51,883,171); duplicating any one gives the same sequence. VCF-style (leftmost placement, unchanged base first): chr6-51883167-C-CA. GRCh37 (hg19) VCF-style: chr6-51747965-C-CA.
Other names: c.7275dup, p.Gly2426fs (NM_170724.3); short protein forms G2426fs.
Identifiers: ClinVar variation 3256664 (VCV003256664.1).